The following is an entry in ClinVar:

ClinVar aggregate classification (germline): Benign/Likely benign. Review status: criteria provided, multiple submitters, no conflicts (2 of 4 stars). 7 submissions from 7 submitters: Benign (5); Likely benign (2). Last evaluated 2026-02-04.

Allele frequency attached by ClinVar (database versions not stated): 1000 Genomes Project 0.09804; 1000 Genomes Project 30x 0.10431; TOPMed 0.13140; gnomAD 0.13313 and 0.13867; ESP Exome Variant Server 0.14382.
gnomAD v4.1: 183,225 of 1,612,846 alleles (11%); highest among the groups gnomAD compares: African/African-American, 22%; 11,747 homozygotes.

Submissions (7):

Labcorp Genetics (formerly Invitae), Labcorp
Classification: Benign. Last evaluated: 2026-02-04. Review status: criteria provided, single submitter. Criteria: Invitae Variant Classification Sherloc (09022015). Collection method: clinical testing. Allele origin: germline.

Blueprint Genetics
Classification: Benign. Last evaluated: 2024-11-26. Review status: criteria provided, single submitter. Criteria: ACMG Guidelines, 2015. Collection method: clinical testing. Allele origin: germline.

Mayo Clinic Laboratories, Mayo Clinic
Classification: Benign. Last evaluated: 2022-09-23. Review status: criteria provided, single submitter. Criteria: ACMG Guidelines, 2015. Collection method: clinical testing. Allele origin: germline. Observed: 86 variant alleles.
Comment: BA1, BP4

Women's Health and Genetics/Laboratory Corporation of America, LabCorp
Classification: Likely benign. Last evaluated: 2021-12-17. Review status: criteria provided, single submitter. Criteria: LabCorp Variant Classification Summary - May 2015. Collection method: clinical testing. Allele origin: germline.

GeneDx
Classification: Benign. Last evaluated: 2019-11-26. Review status: criteria provided, single submitter. Criteria: GeneDx Variant Classification Process June 2021. Collection method: clinical testing. Allele origin: germline. Affected: yes.
Comment: This variant is associated with the following publications: (PMID: 15148291, 14675050, 19226700)

Athena Diagnostics
Classification: Benign. Last evaluated: 2017-08-31. Review status: criteria provided, single submitter. Criteria: Athena Diagnostics Criteria. Collection method: clinical testing. Allele origin: germline.

Breakthrough Genomics
Classification: Likely benign. Review status: criteria provided, single submitter. Criteria: ACMG Guidelines, 2015. Collection method: not provided. Allele origin: germline. Inheritance: Autosomal recessive inheritance. Affected: yes.

Literature cited by the submitters: PubMed 15148291 (cited by Athena Diagnostics); PubMed 14675050 (cited by Athena Diagnostics); PubMed 19226700 (cited by Athena Diagnostics).

NM_000085.5(CLCNKB):c.1441A>T (p.Thr481Ser)

Genes: CLCNKB (chloride voltage-gated channel Kb; plus strand), LOC106501713 (CLCNKB recombination region; plus strand). Cytogenetic location: 1p36.13.
Variant type: single nucleotide variant.
Coding change: c.1441A>T on transcript NM_000085.5 (MANE Select); coding-DNA position 1441, A replaced by T.
Protein change: p.Thr481Ser; replaces threonine 481 with serine.
Molecular consequence: missense variant.
Genome position (GRCh38, 1-based): chr1:16,052,230, A>T. VCF-style: chr1-16052230-A-T. GRCh37 (hg19) VCF-style: chr1-16378725-A-T.
Other names: p.Thr481Ser; c.934A>T, p.Thr312Ser (NM_001165945.2); short protein forms T481S, T312S.
Identifiers: ClinVar variation 585702 (VCV000585702.14), dbSNP rs12140311, ClinGen allele CA623874.
Genomic context (GRCh38, chr1:16,052,230, plus strand): 5'-GCTGCCCTGCCTGACTCTGCCCTTGCAGGGGCTGCAGCCTTCTCAGGGGCTGTGACCCAC[A>T]CCATCTCCACGGCGCTGCTGGCCTTCGAGGTGACCGGCCAGATAGTGCATGCACTGCCCG-3'
Protein context (NP_000076.2, residues 471-491): AAAFSGAVTH[Thr481Ser]ISTALLAFEV